The following is an entry in ClinVar:

NM_021815.5(SLC5A7):c.194G>A (p.Gly65Glu)

Gene: SLC5A7 (solute carrier family 5 member 7; plus strand). Cytogenetic location: 2q12.3.
Variant type: single nucleotide variant.
Coding change: c.194G>A on transcript NM_021815.5 (MANE Select); coding-DNA position 194, G replaced by A.
Protein change: p.Gly65Glu; replaces glycine 65 with glutamic acid.
Molecular consequence: missense variant. On other transcripts: 5 prime UTR variant (2).
Genome position (GRCh38, 1-based): chr2:107,992,121, G>A. VCF-style: chr2-107992121-G-A. GRCh37 (hg19) VCF-style: chr2-108608577-G-A.
Other names: c.194G>A, p.Gly65Glu (NM_001305005.3); c.-122G>A (NM_001305006.3); c.-511G>A (NM_001305007.3); short protein forms G65E.
Identifiers: ClinVar variation 265761 (VCV000265761.6), dbSNP rs886039765, ClinGen allele CA10588813.

ClinVar aggregate classification (germline): Uncertain significance. Review status: criteria provided, single submitter (1 of 4 stars). 2 submissions from 2 submitters: Uncertain significance (1). 1 of the submissions does not count toward it. Last evaluated 2024-07-18.

Conditions:
Congenital myasthenic syndrome 20. Also called: Myasthenic syndrome, congenital, 20, presynaptic. Identifiers: MedGen C4310694, MONDO:0014939, OMIM 617143.
Neuronopathy, distal hereditary motor, type 7A. Also called: Neuronopathy, distal hereditary motor, type viia; NEURONOPATHY, DISTAL HEREDITARY MOTOR, HARDING TYPE VIIA; NEUROPATHY, DISTAL HEREDITARY MOTOR, HARDING TYPE VIIA; Neuronopathy, distal hereditary motor, autosomal dominant 7; SPINAL MUSCULAR ATROPHY, DISTAL, WITH VOCAL CORD PARALYSIS; HARPER-YOUNG MYOPATHY. Identifiers: Orphanet 139589, MedGen C1834703, MONDO:0008024, OMIM 158580.

Submissions (2):

Labcorp Genetics (formerly Invitae), Labcorp
Classification: Uncertain significance for Neuronopathy, distal hereditary motor, type 7A; Congenital myasthenic syndrome 20. Last evaluated: 2024-07-18. Review status: criteria provided, single submitter. Criteria: Invitae Variant Classification Sherloc (09022015). Collection method: clinical testing. Allele origin: germline.
Comment: This sequence change replaces glycine, which is neutral and non-polar, with glutamic acid, which is acidic and polar, at codon 65 of the SLC5A7 protein (p.Gly65Glu). This variant is not present in population databases (gnomAD no frequency). This missense change has been observed in individual(s) with autosomal recessive congenital myasthenic syndrome (PMID: 27569547). ClinVar contains an entry for this variant (Variation ID: 265761). Advanced modeling of protein sequence and biophysical properties (such as structural, functional, and spatial information, amino acid conservation, physicochemical variation, residue mobility, and thermodynamic stability) performed at Invitae indicates that this missense variant is expected to disrupt SLC5A7 protein function with a positive predictive value of 80%. Experimental studies have shown that this missense change affects SLC5A7 function (PMID: 27569547). In summary, the available evidence is currently insufficient to determine the role of this variant in disease. Therefore, it has been classified as a Variant of Uncertain Significance.

OMIM
Classification: Pathogenic for MYASTHENIC SYNDROME, CONGENITAL, 20, PRESYNAPTIC. Last evaluated: 2016-10-07. Review status: no assertion criteria provided. Collection method: literature only. Allele origin: germline. Not counted in ClinVar's aggregate classification.

Literature cited by the submitters: PubMed 27569547 (cited by Labcorp Genetics (formerly Invitae), Labcorp and OMIM).